The following is an entry in ClinVar:

NM_000465.4(BARD1):c.*2T>A

Gene: BARD1 (BRCA1 associated RING domain 1; minus strand). Cytogenetic location: 2q35.
Variant type: single nucleotide variant.
Coding change: c.*2T>A on transcript NM_000465.4 (MANE Select); 2 bases downstream of the stop codon, T replaced by A.
Molecular consequence: 3 prime UTR variant. On other transcripts: non-coding transcript variant (3).
Genome position (GRCh38, 1-based): chr2:214,728,674, A>T on the plus strand (T>A on the coding strand, the complement: BARD1 is on the minus strand). VCF-style: chr2-214728674-A-T. GRCh37 (hg19) VCF-style: chr2-215593398-A-T.
Other names: c.*2T>A (NM_001282543.2, NM_001282545.2, NM_001282548.2 and 1 more transcripts).
Identifiers: ClinVar variation 3378459 (VCV003378459.1).

ClinVar aggregate classification (germline): Benign (1 of 4 stars; one submission).

Conditions:
Familial cancer of breast. Also called: hereditary breast carcinoma; Hereditary breast cancer; BREAST CANCER, FAMILIAL. Identifiers: Orphanet 227535, MedGen C0346153, MONDO:0016419, OMIM 114480. Disease mechanism: loss of function.

Submission:

Myriad Genetics, Inc.
Classification: Benign for Familial cancer of breast. Last evaluated: 2024-09-25. Review status: criteria provided, single submitter. Criteria: Myriad Autosomal Dominant, Autosomal Recessive and X-Linked Classification Criteria (2023). Collection method: clinical testing. Allele origin: unknown.
Comment: This variant is considered benign. This variant occurs in the non-coding 3' untranslated region of the gene, and is not expected to impact protein function.